The following is an entry in ClinVar:

NM_001278116.2(L1CAM):c.3226A>T (p.Thr1076Ser)

Gene: L1CAM (L1 cell adhesion molecule; minus strand). Cytogenetic location: Xq28.
Variant type: single nucleotide variant.
Coding change: c.3226A>T on transcript NM_001278116.2 (MANE Select); coding-DNA position 3226, A replaced by T.
Protein change: p.Thr1076Ser; replaces threonine 1076 with serine.
Molecular consequence: missense variant.
Genome position (GRCh38, 1-based): chrX:153,864,418, T>A on the plus strand (A>T on the coding strand, the complement: L1CAM is on the minus strand). VCF-style: chrX-153864418-T-A. GRCh37 (hg19) VCF-style: chrX-153129873-T-A.
Other names: c.3226A>T, p.Thr1076Ser (NM_000425.5, NM_024003.3); c.3211A>T, p.Thr1071Ser (NM_001143963.2); short protein forms T1071S, T1076S.
Identifiers: ClinVar variation 2501485 (VCV002501485.1), dbSNP rs2064692485, ClinGen allele CA415110986.

ClinVar aggregate classification (germline): Uncertain significance (1 of 4 stars; one submission).

Submission:

GeneDx
Classification: Uncertain significance. Last evaluated: 2022-11-02. Review status: criteria provided, single submitter. Criteria: GeneDx Variant Classification Process June 2021. Collection method: clinical testing. Allele origin: germline. Affected: yes.
Comment: Not observed at significant frequency in large population cohorts (gnomAD); In silico analysis suggests this variant may impact gene splicing. In the absence of RNA/functional studies, the actual effect of this sequence change is unknown.; In silico analysis supports that this missense variant does not alter protein structure/function; Has not been previously published as pathogenic or benign to our knowledge; This variant is associated with the following publications: (PMID: 25641508, 33415589)